The following is an entry in ClinVar:

ClinVar aggregate classification (germline): Pathogenic (1 of 4 stars; one submission).

Submission:

Department of Neurology, Zibo Changguo Hospital
Classification: Pathogenic. Last evaluated: 2025-01-11. Review status: criteria provided, single submitter. Criteria: ACMG/ClinGen CNV Guidelines, 2019. Collection method: clinical testing. Allele origin: de novo.
Comment: A gross deletion of the genomic region encompassing the full coding sequence of the SCN1A gene has been identified. Loss-of-function variants in SCN1A are known to be pathogenic (PMID: 17347258, 18930999). In at least one individual the variant was observed to be de novo. For these reasons, this variant has been classified as Pathogenic.

GRCh37/hg19 2q24.3(chr2:166800000-167280000)x1

Genes: SCN1A (sodium voltage-gated channel alpha subunit 1; minus strand), SCN7A (sodium voltage-gated channel alpha subunit 7; minus strand), SCN9A (sodium voltage-gated channel alpha subunit 9; minus strand), TTC21B (tetratricopeptide repeat domain 21B; minus strand). Cytogenetic location: 2q24.3.
Variant type: copy number loss.
Change: copy number 1 (one copy instead of two) of chr2:166,800,000-167,280,000 (480.0 kb, GRCh37 coordinates, 1-based), cytogenetic band 2q24.3.
Identifiers: ClinVar variation 3770224 (VCV003770224.1).